The following is an entry in ClinVar:

NM_001211.6(BUB1B):c.2560A>G (p.Ile854Val)

Gene: BUB1B (BUB1 mitotic checkpoint serine/threonine kinase B; plus strand). Cytogenetic location: 15q15.1.
Variant type: single nucleotide variant.
Coding change: c.2560A>G on transcript NM_001211.6 (MANE Select); coding-DNA position 2560, A replaced by G.
Protein change: p.Ile854Val; replaces isoleucine 854 with valine.
Molecular consequence: missense variant.
Genome position (GRCh38, 1-based): chr15:40,213,356, A>G. VCF-style: chr15-40213356-A-G. GRCh37 (hg19) VCF-style: chr15-40505557-A-G.
Other names: short protein forms I854V.
Identifiers: ClinVar variation 848663 (VCV000848663.12), dbSNP rs375105548, ClinGen allele CA268758301.

ClinVar aggregate classification (germline): Conflicting classifications of pathogenicity. Review status: criteria provided, conflicting classifications (1 of 4 stars). 3 submissions from 3 submitters: Uncertain significance (2); Likely benign (1). Last evaluated 2024-05-08.

Conditions:
Mosaic variegated aneuploidy syndrome 1 (MVA1). Also called: Warburton-Anyane-Yeboa syndrome. Identifiers: Orphanet 1052, MedGen C1850343, MONDO:0009759, OMIM 257300.
Inborn genetic diseases. Identifiers: MedGen C0950123, MeSH D030342.

Allele frequency attached by ClinVar (database versions not stated): gnomAD exomes below 0.00001 and 0.00003; gnomAD 0.00001 and 0.00002; TOPMed 0.00002; ESP Exome Variant Server 0.00008.
gnomAD v4.1: 50 of 1,613,834 alleles (0.0031%); highest among the groups gnomAD compares: Non-Finnish European, 0.0042%; no homozygotes.

Submissions (3):

Labcorp Genetics (formerly Invitae), Labcorp
Classification: Uncertain significance for Mosaic variegated aneuploidy syndrome 1. Last evaluated: 2024-05-08. Review status: criteria provided, single submitter. Criteria: Invitae Variant Classification Sherloc (09022015). Collection method: clinical testing. Allele origin: germline.
Comment: This sequence change replaces isoleucine, which is neutral and non-polar, with valine, which is neutral and non-polar, at codon 854 of the BUB1B protein (p.Ile854Val). This variant is present in population databases (rs375105548, gnomAD 0.002%). This variant has not been reported in the literature in individuals affected with BUB1B-related conditions. ClinVar contains an entry for this variant (Variation ID: 848663). Algorithms developed to predict the effect of missense changes on protein structure and function output the following: SIFT: "Not Available"; PolyPhen-2: "Benign"; Align-GVGD: "Not Available". The valine amino acid residue is found in multiple mammalian species, which suggests that this missense change does not adversely affect protein function. In summary, the available evidence is currently insufficient to determine the role of this variant in disease. Therefore, it has been classified as a Variant of Uncertain Significance.

Ambry Genetics
Classification: Uncertain significance for Inborn genetic diseases. Last evaluated: 2023-02-23. Review status: criteria provided, single submitter. Criteria: Ambry Variant Classification Scheme 2023. Collection method: clinical testing. Allele origin: germline.
Comment: The p.I854V variant (also known as c.2560A>G), located in coding exon 20 of the BUB1B gene, results from an A to G substitution at nucleotide position 2560. The isoleucine at codon 854 is replaced by valine, an amino acid with highly similar properties. This amino acid position is conserved. In addition, this alteration is predicted to be tolerated by in silico analysis. Since supporting evidence is limited at this time, the clinical significance of this alteration remains unclear.

Blueprint Genetics
Classification: Likely benign. Last evaluated: 2022-10-14. Review status: criteria provided, single submitter. Criteria: ACMG Guidelines, 2015. Collection method: clinical testing. Allele origin: germline.